The following is an entry in ClinVar:

ClinVar aggregate classification (germline): Pathogenic (1 of 4 stars; one submission).

Submission:

Labcorp Genetics (formerly Invitae), Labcorp
Classification: Pathogenic. Last evaluated: 2024-10-02. Review status: criteria provided, single submitter. Criteria: Invitae Variant Classification Sherloc (09022015). Collection method: clinical testing. Allele origin: germline.
Comment: This sequence change creates a premature translational stop signal (p.Gln115*) in the C6 gene. It is expected to result in an absent or disrupted protein product. Loss-of-function variants in C6 are known to be pathogenic (PMID: 17257682). This variant is not present in population databases (gnomAD no frequency). This variant has not been reported in the literature in individuals affected with C6-related conditions. Algorithms developed to predict the effect of sequence changes on RNA splicing suggest that this variant may disrupt the consensus splice site. For these reasons, this variant has been classified as Pathogenic.

Literature cited by the submitters: PubMed 17257682.

NM_000065.5(C6):c.343C>T (p.Gln115Ter)

Gene: C6 (complement C6; minus strand). Cytogenetic location: 5p13.1.
Variant type: single nucleotide variant.
Coding change: c.343C>T on transcript NM_000065.5 (MANE Select); coding-DNA position 343, C replaced by T.
Protein change: p.Gln115Ter; replaces glutamine 115 with a stop codon.
Molecular consequence: nonsense.
Genome position (GRCh38, 1-based): chr5:41,199,870, G>A on the plus strand (C>T on the coding strand, the complement: C6 is on the minus strand). VCF-style: chr5-41199870-G-A. GRCh37 (hg19) VCF-style: chr5-41199972-G-A.
Other names: c.343C>T, p.Gln115Ter (NM_001115131.4); short protein forms Q115*.
Identifiers: ClinVar variation 3721542 (VCV003721542.2).
Genomic context (GRCh38, chr5:41,199,870, plus strand): 5'-TTTTGCAGAGCTTAGATGGAATGCATGGTTGAAAGGCTACCAGAGGCGCAGTGCATGGCT[G>A]TCCCCCAAACTGACTGGGACGCAAGACAGATCTAACTTTAGACTGAAAGGAAAGAAGAGA-3'